The following is an entry in ClinVar:

NM_001099271.2(POC5):c.770T>C (p.Ile257Thr)

Gene: POC5 (POC5 centriolar protein; minus strand). Cytogenetic location: 5q13.3.
Variant type: single nucleotide variant.
Coding change: c.770T>C on transcript NM_001099271.2 (MANE Select); coding-DNA position 770, T replaced by C.
Protein change: p.Ile257Thr; replaces isoleucine 257 with threonine.
Molecular consequence: missense variant.
Genome position (GRCh38, 1-based): chr5:75,692,421, A>G on the plus strand (T>C on the coding strand, the complement: POC5 is on the minus strand). VCF-style: chr5-75692421-A-G. GRCh37 (hg19) VCF-style: chr5-74988246-A-G.
Other names: c.695T>C, p.Ile232Thr (NM_152408.3); short protein forms I257T, I232T.
Identifiers: ClinVar variation 2748240 (VCV002748240.3), dbSNP rs2478839996, ClinGen allele CA360147177.

ClinVar aggregate classification (germline): Uncertain significance (1 of 4 stars; one submission).

Submission:

Labcorp Genetics (formerly Invitae), Labcorp
Classification: Uncertain significance. Last evaluated: 2023-07-29. Review status: criteria provided, single submitter. Criteria: Invitae Variant Classification Sherloc (09022015). Collection method: clinical testing. Allele origin: germline.
Comment: In summary, the available evidence is currently insufficient to determine the role of this variant in disease. Therefore, it has been classified as a Variant of Uncertain Significance. An algorithm developed to predict the effect of missense changes on protein structure and function (PolyPhen-2) suggests that this variant is likely to be disruptive. This variant has not been reported in the literature in individuals affected with POC5-related conditions. This variant is not present in population databases (gnomAD no frequency). This sequence change replaces isoleucine, which is neutral and non-polar, with threonine, which is neutral and polar, at codon 257 of the POC5 protein (p.Ile257Thr).